The following is an entry in ClinVar:

NM_014991.6(WDFY3):c.4777A>T (p.Thr1593Ser)

Gene: WDFY3 (WD repeat and FYVE domain containing 3; minus strand). Cytogenetic location: 4q21.23.
Variant type: single nucleotide variant.
Coding change: c.4777A>T on transcript NM_014991.6 (MANE Select); coding-DNA position 4777, A replaced by T.
Protein change: p.Thr1593Ser; replaces threonine 1593 with serine.
Molecular consequence: missense variant.
Genome position (GRCh38, 1-based): chr4:84,772,907, T>A on the plus strand (A>T on the coding strand, the complement: WDFY3 is on the minus strand). VCF-style: chr4-84772907-T-A. GRCh37 (hg19) VCF-style: chr4-85694060-T-A.
Other names: short protein forms T1593S.
Identifiers: ClinVar variation 3392607 (VCV003392607.1).

ClinVar aggregate classification (germline): Uncertain significance (1 of 4 stars; one submission).

gnomAD v4.1: 6 of 1,607,024 alleles (0.00037%); highest among the groups gnomAD compares: African/African-American, 0.0081%; no homozygotes.

Submission:

GeneDx
Classification: Uncertain significance. Last evaluated: 2024-06-24. Review status: criteria provided, single submitter. Criteria: GeneDx Variant Classification Process June 2021. Collection method: clinical testing. Allele origin: germline. Affected: yes.
Comment: In silico analysis supports that this missense variant has a deleterious effect on protein structure/function; Has not been previously published as pathogenic or benign to our knowledge